The following is an entry in ClinVar:

NC_000016.10:g.16688A>G

Variant type: single nucleotide variant.
Genome position: GRCh38 VCF-style: chr16-16688-A-G. GRCh37 (hg19) VCF-style: chr16-66688-A-G.
Identifiers: ClinVar variation 3770974 (VCV003770974.13).
Genomic context (GRCh38, chr16:16,688, plus strand): 5'-GGCAATGTACATGAGGTCGTTGGCAATGCCGGGCAGGTCAGGCAGGTAGGATGGAACATC[A>G]ATCTCAGGCACCTGGCCCAGGTCTGGCACATAGAAGTAGTTCTCTGGGACCTGCAAGATT-3'

ClinVar aggregate classification (germline): Likely benign (1 of 4 stars; one submission).

Submission:

CeGaT Center for Human Genetics Tuebingen
Classification: Likely benign. Last evaluated: 2026-08-01. Review status: criteria provided, single submitter. Criteria: CeGaT Center For Human Genetics Tuebingen Variant Classification Criteria Version 2. Collection method: clinical testing. Allele origin: germline. Affected: yes. Observed: 4 variant alleles.
Comment: WASH4P: BP4, BP7